The following is an entry in ClinVar:

GRCh37/hg19 7q36.1-36.2(chr7:151581341-153599029)x1

Genes: ACTR3B (actin related protein 3B; plus strand), GALNT11 (polypeptide N-acetylgalactosaminyltransferase 11; plus strand), GALNTL5 (polypeptide N-acetylgalactosaminyltransferase like 5; plus strand), KMT2C (lysine methyltransferase 2C; minus strand), XRCC2 (X-ray repair cross complementing 2; minus strand). Cytogenetic location: 7q36.1-36.2.
Variant type: copy number loss.
Change: copy number 1 (one copy instead of two) of chr7:151,581,341-153,599,029 (2.02 Mb, GRCh37 coordinates, 1-based), cytogenetic band 7q36.1-36.2.
Identifiers: ClinVar variation 1808403 (VCV001808403.1).

ClinVar aggregate classification (germline): Pathogenic (1 of 4 stars; one submission).

Submission:

Quest Diagnostics Nichols Institute San Juan Capistrano
Classification: Pathogenic. Last evaluated: 2022-02-02. Review status: criteria provided, single submitter. Criteria: ACMG/ClinGen CNV Guidelines, 2019. Collection method: clinical testing. Allele origin: unknown.
Comment: This loss includes the KMT2C gene. Heterozygous pathogenic variation of KMT2C is implicated in autosomal dominant Kleefstra syndrome-2 (OMIM 617768), which is a neurodevelopmental disorder characterized by delayed psychomotor development, variable intellectual disability, and mild dysmorphic features. Additionally, haploinsufficiency of KMT2C has been reported in patients who have variable phenotypes which overlap that of Kleefstra syndrome and include: intellectual disability, autism, cancer predisposition (colorectal, AML, nasopharyngeal carcinoma) and other clinical issues (PMIDs: 29276005, 29069077, 26014803, 23429989).